The following is an entry in ClinVar:

ClinVar aggregate classification (germline): Pathogenic. Review status: criteria provided, multiple submitters, no conflicts (2 of 4 stars). 2 submissions from 2 submitters: Pathogenic (2). Last evaluated 2026-03-06.

Conditions:
Autosomal recessive spinocerebellar ataxia 10. Identifiers: Orphanet 284289, MedGen C3150998, MONDO:0013392, OMIM 613728.

Allele frequency attached by ClinVar (database versions not stated): gnomAD exomes below 0.00001.
gnomAD v4.1: 3 of 1,613,560 alleles (0.00019%); highest among the groups gnomAD compares: Admixed American, 0.0017%; no homozygotes.

Submissions (2):

Myriad Genetics, Inc.
Classification: Pathogenic for Autosomal recessive spinocerebellar ataxia 10. Last evaluated: 2026-03-06. Review status: criteria provided, single submitter. Criteria: Myriad Autosomal Dominant, Autosomal Recessive and X-Linked Classification Criteria (2023). Collection method: clinical testing. Allele origin: unknown.
Comment: NM_018075.3(ANO10):c.73C>T(Q25*) is a nonsense variant classified as pathogenic in the context of spinocerebellar ataxia, ANO10-related. Q25* has not been observed in cases with relevant disease. Relevant functional assessments of this variant are not available in the literature. Q25* has been observed in referenced population frequency databases. In summary, NM_018075.3(ANO10):c.73C>T(Q25*) is a nonsense variant in a gene where loss of function is a known mechanism of disease and is predicted to disrupt protein function. Please note: this variant was assessed in the context of healthy population screening.

Labcorp Genetics (formerly Invitae), Labcorp
Classification: Pathogenic. Last evaluated: 2023-10-24. Review status: criteria provided, single submitter. Criteria: Invitae Variant Classification Sherloc (09022015). Collection method: clinical testing. Allele origin: germline.
Comment: This sequence change creates a premature translational stop signal (p.Gln25*) in the ANO10 gene. It is expected to result in an absent or disrupted protein product. Loss-of-function variants in ANO10 are known to be pathogenic (PMID: 25089919). This variant is present in population databases (no rsID available, gnomAD 0.003%). This variant has not been reported in the literature in individuals affected with ANO10-related conditions. For these reasons, this variant has been classified as Pathogenic.

Literature cited by the submitters: PubMed 25089919 (cited by Labcorp Genetics (formerly Invitae), Labcorp).

NM_018075.5(ANO10):c.73C>T (p.Gln25Ter)

Gene: ANO10 (anoctamin 10; minus strand). Cytogenetic location: 3p21.33.
Variant type: single nucleotide variant.
Coding change: c.73C>T on transcript NM_018075.5 (MANE Select); coding-DNA position 73, C replaced by T.
Protein change: p.Gln25Ter; replaces glutamine 25 with a stop codon.
Molecular consequence: nonsense.
Genome position (GRCh38, 1-based): chr3:43,605,780, G>A on the plus strand (C>T on the coding strand, the complement: ANO10 is on the minus strand). VCF-style: chr3-43605780-G-A. GRCh37 (hg19) VCF-style: chr3-43647272-G-A.
Other names: c.73C>T, p.Gln25Ter (NM_001204831.3, NM_001204832.3, NM_001204833.3 and 8 more transcripts); short protein forms Q25*.
Identifiers: ClinVar variation 3017135 (VCV003017135.4), dbSNP rs1314514015, ClinGen allele CA352346627.